The following is an entry in ClinVar:

NM_001211.6(BUB1B):c.1046G>A (p.Arg349Gln)

Gene: BUB1B (BUB1 mitotic checkpoint serine/threonine kinase B; plus strand). Cytogenetic location: 15q15.1.
Variant type: single nucleotide variant.
Coding change: c.1046G>A on transcript NM_001211.6 (MANE Select); coding-DNA position 1046, G replaced by A.
Protein change: p.Arg349Gln; replaces arginine 349 with glutamine.
Molecular consequence: missense variant. On other transcripts: no sequence alteration (1).
Genome position (GRCh38, 1-based): chr15:40,185,630, G>A. VCF-style: chr15-40185630-G-A. GRCh37 (hg19) VCF-style: chr15-40477831-G-A.
Other names: c.1046G>A (NM_001211.5); short protein forms R349Q.
Identifiers: ClinVar variation 133780 (VCV000133780.18), dbSNP rs1801376, ClinGen allele CA157790.

ClinVar aggregate classification (germline): Benign. Review status: criteria provided, multiple submitters, no conflicts (2 of 4 stars). 6 submissions from 6 submitters: Benign (5). 1 of the submissions does not count toward it. Last evaluated 2026-02-04.

Conditions:
Mosaic variegated aneuploidy syndrome 1 (MVA1). Also called: Warburton-Anyane-Yeboa syndrome. Identifiers: Orphanet 1052, MedGen C1850343, MONDO:0009759, OMIM 257300.

Allele frequency attached by ClinVar (database versions not stated): 1000 Genomes Project 30x 0.63851; gnomAD exomes 0.65012 and 0.68455; ExAC 0.65662; TOPMed 0.70859; gnomAD 0.71273 and 0.72576; ESP Exome Variant Server 0.73597; 1000 Genomes Project 0.62819.
gnomAD v4.1: 1,106,736 of 1,612,848 alleles (69%); highest among the groups gnomAD compares: African/African-American, 83%; 385,531 homozygotes.

Submissions (6):

Labcorp Genetics (formerly Invitae), Labcorp
Classification: Benign for Mosaic variegated aneuploidy syndrome 1. Last evaluated: 2026-02-04. Review status: criteria provided, single submitter. Criteria: Invitae Variant Classification Sherloc (09022015). Collection method: clinical testing. Allele origin: germline.

Blueprint Genetics
Classification: Benign. Last evaluated: 2024-11-27. Review status: criteria provided, single submitter. Criteria: ACMG Guidelines, 2015. Collection method: clinical testing. Allele origin: germline.

Genome-Nilou Lab
Classification: Benign for Mosaic variegated aneuploidy syndrome 1. Last evaluated: 2021-07-14. Review status: criteria provided, single submitter. Criteria: ACMG Guidelines, 2015. Collection method: clinical testing. Allele origin: germline. Affected: no.

Laboratory for Molecular Medicine, Mass General Brigham Personalized Medicine
Classification: Benign. Last evaluated: 2016-03-28. Review status: criteria provided, single submitter. Criteria: LMM Criteria. Collection method: clinical testing. Allele origin: germline.
Comment: Variant identified in a genome or exome case(s) and assessed due to predicted null impact of the variant or pathogenic assertions in the literature or databases. Disclaimer: This variant has not undergone full assessment. The following are preliminary notes: Frequency

Breakthrough Genomics
Classification: Benign. Review status: criteria provided, single submitter. Criteria: ACMG Guidelines, 2015. Collection method: not provided. Allele origin: germline. Inheritance: Autosomal dominant inheritance. Affected: yes.

ITMI
No classification provided. Condition: AllHighlyPenetrant. Last evaluated: 2013-09-19. Review status: no classification provided. Collection method: reference population. Allele origin: germline. Not counted in ClinVar's aggregate classification.
Comment: Please see associated publication for description of ethnicities

Literature cited by the submitters: PubMed 24728327 (cited by ITMI).